The following is an entry in ClinVar:

ClinVar aggregate classification (germline): Likely benign (1 of 4 stars; one submission).

Conditions:
FUT8-related disorder. Also called: FUT8-related condition.

gnomAD v4.1: 2 of 1,612,890 alleles (0.00012%); highest among the groups gnomAD compares: African/African-American, 0.0027%; no homozygotes.

Submission:

PreventionGenetics, part of Exact Sciences
Classification: Likely benign for FUT8-related condition. Last evaluated: 2025-01-04. Review status: criteria provided, single submitter. Criteria: ACMG Guidelines, 2015. Collection method: clinical testing. Allele origin: germline.
Comment: This variant is classified as likely benign based on ACMG/AMP sequence variant interpretation guidelines (Richards et al. 2015 PMID: 25741868, with internal and published modifications).

NM_001371533.1(FUT8):c.1623A>G (p.Lys541=)

Gene: FUT8 (fucosyltransferase 8; plus strand). Cytogenetic location: 14q23.3.
Variant type: single nucleotide variant.
Coding change: c.1623A>G on transcript NM_001371533.1 (MANE Select); coding-DNA position 1623, A replaced by G.
Protein change: p.Lys541=; no amino-acid change (lysine 541 retained).
Molecular consequence: synonymous variant. On other transcripts: non-coding transcript variant (1).
Genome position (GRCh38, 1-based): chr14:65,742,305, A>G. VCF-style: chr14-65742305-A-G. GRCh37 (hg19) VCF-style: chr14-66209023-A-G.
Other names: c.1623A>G, p.Lys541= (NM_001371534.1, NM_178155.3, NM_178156.2); c.1725A>G, p.Lys575= (NM_001371536.1); c.1134A>G, p.Lys378= (NM_004480.4).
Identifiers: ClinVar variation 4978006 (VCV004978006.1).